The following is an entry in ClinVar:

ClinVar aggregate classification (germline): Uncertain significance (1 of 4 stars; one submission).

gnomAD v4.1: 1 of 1,613,958 alleles (0.000062%); highest among the groups gnomAD compares: Non-Finnish European, 0.000085%; no homozygotes.

Submission:

Labcorp Genetics (formerly Invitae), Labcorp
Classification: Uncertain significance. Last evaluated: 2025-08-18. Review status: criteria provided, single submitter. Criteria: Invitae Variant Classification Sherloc (09022015). Collection method: clinical testing. Allele origin: germline.
Comment: This sequence change replaces arginine, which is basic and polar, with leucine, which is neutral and non-polar, at codon 78 of the TAOK2 protein (p.Arg78Leu). This variant is present in population databases (rs761769256, gnomAD 0.0009%). This variant has not been reported in the literature in individuals affected with TAOK2-related conditions. An algorithm developed to predict the effect of missense changes on protein structure and function (PolyPhen-2) suggests that this variant is likely to be disruptive. In summary, the available evidence is currently insufficient to determine the role of this variant in disease. Therefore, it has been classified as a Variant of Uncertain Significance.

NM_016151.4(TAOK2):c.233G>T (p.Arg78Leu)

Gene: TAOK2 (TAO kinase 2; plus strand). Cytogenetic location: 16p11.2.
Variant type: single nucleotide variant.
Coding change: c.233G>T on transcript NM_016151.4 (MANE Select); coding-DNA position 233, G replaced by T.
Protein change: p.Arg78Leu; replaces arginine 78 with leucine.
Molecular consequence: missense variant.
Genome position (GRCh38, 1-based): chr16:29,978,280, G>T. VCF-style: chr16-29978280-G-T. GRCh37 (hg19) VCF-style: chr16-29989601-G-T.
Other names: c.233G>T, p.Arg78Leu (NM_001252043.2, NM_004783.4); short protein forms R78L.
Identifiers: ClinVar variation 4725625 (VCV004725625.1).